The following is an entry in ClinVar:

ClinVar aggregate classification (germline): Likely pathogenic (1 of 4 stars; one submission).

Conditions:
Capillary malformation-arteriovenous malformation syndrome. Also called: Capillary malformation-arteriovenous malformation. Identifiers: Orphanet 137667, MedGen C1842180, MONDO:0012016.

Submission:

Labcorp Genetics (formerly Invitae), Labcorp
Classification: Likely pathogenic for Capillary malformation-arteriovenous malformation syndrome. Last evaluated: 2022-06-09. Review status: criteria provided, single submitter. Criteria: Invitae Variant Classification Sherloc (09022015). Collection method: clinical testing. Allele origin: germline.
Comment: In summary, the currently available evidence indicates that the variant is pathogenic, but additional data are needed to prove that conclusively. Therefore, this variant has been classified as Likely Pathogenic. Algorithms developed to predict the effect of sequence changes on RNA splicing suggest that this variant may disrupt the consensus splice site. This variant has not been reported in the literature in individuals affected with RASA1-related conditions. This variant is not present in population databases (gnomAD no frequency). This variant results in the deletion of part of exon 4 (c.899_899+3del) of the RASA1 gene. It is expected to disrupt RNA splicing. Variants that disrupt the donor or acceptor splice site typically lead to a loss of protein function (PMID: 16199547), and loss-of-function variants in RASA1 are known to be pathogenic (PMID: 24038909).

Literature cited by the submitters: PubMed 16199547; PubMed 24038909.

NM_002890.3(RASA1):c.899_899+3del

Genes: CCNH (cyclin H; minus strand), RASA1 (RAS p21 protein activator 1; plus strand). Cytogenetic location: 5q14.3.
Variant type: Deletion.
Coding change: c.899_899+3del on transcript NM_002890.3 (MANE Select); coding-DNA position 899 through 3 bases into the intron after coding-DNA position 899, 4 bases deleted (GGTA; older notation c.899_899+3delGGTA).
Molecular consequence: splice donor variant. On other transcripts: intron variant (1).
Genome position (GRCh38, 1-based): chr5:87,333,337-87,333,340, GGTA deleted; deleting any 4 consecutive bases within chr5:87,333,336-87,333,340 gives the same sequence; the c. name uses the placement nearest the transcript's 3' end. VCF-style (leftmost placement, unchanged base first): chr5-87333335-AAGGT-A. GRCh37 (hg19) VCF-style: chr5-86629152-AAGGT-A.
Other names: c.368_368+3del (NM_022650.3); c.934-20544_934-20541del (NM_001364075.2).
Identifiers: ClinVar variation 2003753 (VCV002003753.4), dbSNP rs2531194989, ClinGen allele CA2580073681.